The following is an entry in ClinVar:

ClinVar aggregate classification (germline): Likely pathogenic (1 of 4 stars; one submission).

Conditions:
Dilated cardiomyopathy 1G (CMD1G). Identifiers: Orphanet 154, MedGen C1858763, MONDO:0011400, OMIM 604145.
Autosomal recessive limb-girdle muscular dystrophy type 2J (LGMDR10). Also called: Limb-girdle muscular dystrophy, type 2J; MUSCULAR DYSTROPHY, LIMB-GIRDLE, AUTOSOMAL RECESSIVE 10. Identifiers: Orphanet 140922, MedGen C1837342, MONDO:0012127, OMIM 608807.

Submission:

Labcorp Genetics (formerly Invitae), Labcorp
Classification: Likely pathogenic for Dilated cardiomyopathy 1G; Autosomal recessive limb-girdle muscular dystrophy type 2J. Last evaluated: 2020-09-13. Review status: criteria provided, single submitter. Criteria: Invitae Variant Classification Sherloc (09022015). Collection method: clinical testing. Allele origin: germline.
Comment: This sequence change results in a premature translational stop signal in the TTN gene (p.Pro30962Thrfs*49). While this is not anticipated to result in nonsense mediated decay, it is expected to create a truncated TTN protein. This variant is not present in population databases (ExAC no frequency). This variant has not been reported in the literature in individuals with TTN-related conditions. This variant is located in the A band of TTN (PMID: 25589632). Truncating variants in this region are significantly overrepresented in patients affected with dilated cardiomyopathy (PMID: 25589632). Truncating variants in this region have also been reported in individuals affected with autosomal recessive centronuclear myopathy (PMID: 23975875). In summary, the currently available evidence indicates that the variant is pathogenic, but additional data are needed to prove that conclusively. Therefore, this variant has been classified as Likely Pathogenic.

Literature cited by the submitters: PubMed 25589632; PubMed 23975875.

NM_001267550.2(TTN):c.92884_92887del (p.Pro30962fs)

Genes: TTN-AS1 (TTN antisense RNA 1; plus strand), TTN (titin; minus strand). Cytogenetic location: 2q31.2.
Variant type: Deletion.
Coding change: c.92884_92887del on transcript NM_001267550.2 (MANE Select); coding-DNA positions 92884 to 92887, 4 bases deleted (CCAG; older notation c.92884_92887delCCAG).
Protein change: p.Pro30962fs; shifts the reading frame from proline 30962.
Molecular consequence: frameshift variant.
Genome position (GRCh38, 1-based): chr2:178,548,739-178,548,742, CTGG deleted on the plus strand (CCAG on the coding strand, the reverse complement: TTN is on the minus strand). VCF-style (leftmost placement, unchanged base first): chr2-178548738-TCTGG-T. GRCh37 (hg19) VCF-style: chr2-179413465-TCTGG-T.
Other names: c.87961_87964del, p.Pro29321fs (NM_001256850.1); c.65689_65692del, p.Pro21897fs (NM_003319.4); c.85180_85183del, p.Pro28394fs (NM_133378.4); c.66064_66067del, p.Pro22022fs (NM_133432.3); c.66265_66268del, p.Pro22089fs (NM_133437.4); short protein forms P22089fs, P29321fs, P21897fs, P30962fs, P22022fs, P28394fs.
Identifiers: ClinVar variation 962884 (VCV000962884.10), dbSNP rs1698201730, ClinGen allele CA1139657430.
Genomic context (GRCh38, chr2:178,548,738, plus strand): 5'-ACAGTGAGGGTGCTGAAGGAATCTGTTGTATGGATATCAGCCCGAAGGCTAAGGTTAGAG[TCTGG>T]TTTGCTCCACACAGCTGTAGGAGTAGGTCTACCTTGGTAGGCAATGAAGAGGCGAATACT-3'